The following is an entry in ClinVar:

NM_003640.5(ELP1):c.671G>A (p.Trp224Ter)

Gene: ELP1 (elongator acetyltransferase complex subunit 1; minus strand). Cytogenetic location: 9q31.3.
Variant type: single nucleotide variant.
Coding change: c.671G>A on transcript NM_003640.5 (MANE Select); coding-DNA position 671, G replaced by A.
Protein change: p.Trp224Ter; replaces tryptophan 224 with a stop codon.
Molecular consequence: nonsense. On other transcripts: intron variant (1).
Genome position (GRCh38, 1-based): chr9:108,918,880, C>T on the plus strand (G>A on the coding strand, the complement: ELP1 is on the minus strand). VCF-style: chr9-108918880-C-T. GRCh37 (hg19) VCF-style: chr9-111681160-C-T.
Other names: c.329G>A, p.Trp110Ter (NM_001318360.2); c.-307-1210G>A (NM_001330749.2); short protein forms W110*, W224*.
Identifiers: ClinVar variation 940651 (VCV000940651.7), dbSNP rs1829544561, ClinGen allele CA374387018.

ClinVar aggregate classification (germline): Pathogenic (1 of 4 stars; one submission).

Submission:

Labcorp Genetics (formerly Invitae), Labcorp
Classification: Pathogenic. Last evaluated: 2019-10-11. Review status: criteria provided, single submitter. Criteria: Invitae Variant Classification Sherloc (09022015). Collection method: clinical testing. Allele origin: germline.
Comment: This variant is not present in population databases (ExAC no frequency). This sequence change creates a premature translational stop signal (p.Trp224*) in the ELP1 gene. It is expected to result in an absent or disrupted protein product. Loss-of-function variants in ELP1 are known to be pathogenic (PMID: 18303054, 24173031). For these reasons, this variant has been classified as Pathogenic. This variant has not been reported in the literature in individuals with ELP1-related conditions.

Literature cited by the submitters: PubMed 18303054; PubMed 24173031.